The following is an entry in ClinVar:

ClinVar aggregate classification (germline): Uncertain significance. Review status: criteria provided, multiple submitters, no conflicts (2 of 4 stars). 3 submissions from 3 submitters: Uncertain significance (3). Last evaluated 2026-02-23.

Conditions:
TRRAP-related disorder. Also called: TRRAP-related condition.

Allele frequency attached by ClinVar (database versions not stated): TOPMed 0.00005; gnomAD 0.00007.
gnomAD v4.1: 59 of 1,613,904 alleles (0.0037%); highest among the groups gnomAD compares: Non-Finnish European, 0.0045%; no homozygotes.

Submissions (3):

PreventionGenetics, part of Exact Sciences
Classification: Uncertain significance for TRRAP-related condition. Last evaluated: 2026-02-23. Review status: criteria provided, single submitter. Criteria: ACMG Guidelines, 2015. Collection method: clinical testing. Allele origin: germline.
Comment: The TRRAP c.10382C>T variant is predicted to result in the amino acid substitution p.Thr3461Met. To our knowledge, this variant has not been reported in the literature. This variant is reported in 0.0093% of alleles in individuals of European (Non-Finnish) descent in gnomAD. At this time, the clinical significance of this variant is uncertain due to the absence of conclusive functional and genetic evidence.

Labcorp Genetics (formerly Invitae), Labcorp
Classification: Uncertain significance. Last evaluated: 2025-11-28. Review status: criteria provided, single submitter. Criteria: Invitae Variant Classification Sherloc (09022015). Collection method: clinical testing. Allele origin: germline.
Comment: This sequence change replaces threonine, which is neutral and polar, with methionine, which is neutral and non-polar, at codon 3461 of the TRRAP protein (p.Thr3461Met). This variant is present in population databases (rs199634355, gnomAD 0.01%). This variant has not been reported in the literature in individuals affected with TRRAP-related conditions. ClinVar contains an entry for this variant (Variation ID: 2083524). Invitae Evidence Modeling of protein sequence and biophysical properties (such as structural, functional, and spatial information, amino acid conservation, physicochemical variation, residue mobility, and thermodynamic stability) indicates that this missense variant is not expected to disrupt TRRAP protein function with a negative predictive value of 80%. In summary, the available evidence is currently insufficient to determine the role of this variant in disease. Therefore, it has been classified as a Variant of Uncertain Significance.

ARUP Laboratories, Molecular Genetics and Genomics, ARUP Laboratories
Classification: Uncertain significance. Last evaluated: 2022-03-02. Review status: criteria provided, single submitter. Criteria: ARUP Molecular Germline Variant Investigation Process 2021. Collection method: clinical testing. Allele origin: germline.

NM_001375524.1(TRRAP):c.10511C>T (p.Thr3504Met)

Gene: TRRAP (transformation/transcription domain associated protein; plus strand). Cytogenetic location: 7q22.1.
Variant type: single nucleotide variant.
Coding change: c.10511C>T on transcript NM_001375524.1 (MANE Select); coding-DNA position 10511, C replaced by T.
Protein change: p.Thr3504Met; replaces threonine 3504 with methionine.
Molecular consequence: missense variant.
Genome position (GRCh38, 1-based): chr7:99,004,391, C>T. VCF-style: chr7-99004391-C-T. GRCh37 (hg19) VCF-style: chr7-98602014-C-T.
Other names: c.10382C>T (NM_003496.3); c.10469C>T, p.Thr3490Met (NM_001244580.2); c.10382C>T, p.Thr3461Met (NM_003496.4); short protein forms T3461M, T3490M, T3504M.
Identifiers: ClinVar variation 2083524 (VCV002083524.7), dbSNP rs199634355, ClinGen allele CA4361918.